The following is an entry in ClinVar:

ClinVar aggregate classification (germline): Uncertain significance (1 of 4 stars; one submission).

Submission:

Labcorp Genetics (formerly Invitae), Labcorp
Classification: Uncertain significance. Last evaluated: 2022-02-24. Review status: criteria provided, single submitter. Criteria: Invitae Variant Classification Sherloc (09022015). Collection method: clinical testing. Allele origin: germline.
Comment: In summary, the available evidence is currently insufficient to determine the role of this variant in disease. Therefore, it has been classified as a Variant of Uncertain Significance. Algorithms developed to predict the effect of missense changes on protein structure and function (SIFT, PolyPhen-2, Align-GVGD) all suggest that this variant is likely to be tolerated. This variant has not been reported in the literature in individuals affected with RP1-related conditions. This variant is not present in population databases (gnomAD no frequency). This sequence change replaces serine, which is neutral and polar, with arginine, which is basic and polar, at codon 1671 of the RP1 protein (p.Ser1671Arg).

NM_006269.2(RP1):c.5013T>G (p.Ser1671Arg)

Genes: RP1 (RP1 axonemal microtubule associated; plus strand), LOC126860392 (CDK7 strongly-dependent group 2 enhancer GRCh37_chr8:55541319-55542518; plus strand). Cytogenetic location: 8q12.1.
Variant type: single nucleotide variant.
Coding change: c.5013T>G on transcript NM_006269.2 (MANE Select); coding-DNA position 5013, T replaced by G.
Protein change: p.Ser1671Arg; replaces serine 1671 with arginine.
Molecular consequence: missense variant. On other transcripts: intron variant (1).
Genome position (GRCh38, 1-based): chr8:54,628,895, T>G. VCF-style: chr8-54628895-T-G. GRCh37 (hg19) VCF-style: chr8-55541455-T-G.
Other names: c.787+6607T>G (NM_001375654.1); short protein forms S1671R.
Identifiers: ClinVar variation 2102903 (VCV002102903.4), dbSNP rs2536587181, ClinGen allele CA370984662.